The following is an entry in ClinVar:

NM_001353921.2(ARHGEF9):c.256G>T (p.Val86Leu)

Gene: ARHGEF9 (Cdc42 guanine nucleotide exchange factor 9; minus strand). Cytogenetic location: Xq11.1.
Variant type: single nucleotide variant.
Coding change: c.256G>T on transcript NM_001353921.2 (MANE Select); coding-DNA position 256, G replaced by T.
Protein change: p.Val86Leu; replaces valine 86 with leucine.
Molecular consequence: missense variant. On other transcripts: 5 prime UTR variant (3).
Genome position (GRCh38, 1-based): chrX:63,706,404, C>A on the plus strand (G>T on the coding strand, the complement: ARHGEF9 is on the minus strand). VCF-style: chrX-63706404-C-A. GRCh37 (hg19) VCF-style: chrX-62926284-C-A.
Other names: c.235G>T (NM_015185.2); c.76G>T, p.Val26Leu (NM_001173479.2); c.-72G>T (NM_001173480.2, NM_001369042.1); c.172G>T, p.Val58Leu (NM_001330495.2, NM_001353927.2, NM_001369033.1 and 8 more transcripts); c.256G>T, p.Val86Leu (NM_001353922.2); c.274G>T, p.Val92Leu (NM_001353923.1); c.55G>T, p.Val19Leu (NM_001353924.2, NM_001353926.2, NM_001369039.1 and 1 more transcripts); c.235G>T, p.Val79Leu (NM_001353928.2, NM_001369030.1, NM_001369031.1 and 2 more transcripts); and 1 more; short protein forms V92L, V79L, V86L, V19L, V26L, V58L.
Identifiers: ClinVar variation 2982804 (VCV002982804.4), dbSNP rs1556402053, ClinGen allele CA413402287.

ClinVar aggregate classification (germline): Conflicting classifications of pathogenicity. Review status: criteria provided, conflicting classifications (1 of 4 stars). 2 submissions from 2 submitters: Uncertain significance (1); Likely benign (1). Last evaluated 2025-11-03.

Conditions:
Developmental and epileptic encephalopathy, 8 (DEE8). Also called: HYPEREKPLEXIA AND EPILEPSY. Identifiers: Orphanet 163985, Orphanet 2076, MedGen C1845102, MONDO:0010375, OMIM 300607.

Allele frequency attached by ClinVar (database versions not stated): gnomAD exomes below 0.00001.
gnomAD v4.1: 1 of 1,207,210 alleles (0.000083%); highest among the groups gnomAD compares: African/African-American, 0.0017%; no homozygotes.

Submissions (2):

Labcorp Genetics (formerly Invitae), Labcorp
Classification: Likely benign for Developmental and epileptic encephalopathy, 8. Last evaluated: 2025-11-03. Review status: criteria provided, single submitter. Criteria: Invitae Variant Classification Sherloc (09022015). Collection method: clinical testing. Allele origin: germline.

GeneDx
Classification: Uncertain significance. Last evaluated: 2025-01-06. Review status: criteria provided, single submitter. Criteria: GeneDx Variant Classification Process June 2021. Collection method: clinical testing. Allele origin: germline. Affected: yes.
Comment: Has not been previously published as pathogenic or benign to our knowledge; In silico analysis indicates that this missense variant does not alter protein structure/function